The following is an entry in ClinVar:

ClinVar aggregate classification (germline): Conflicting classifications of pathogenicity. Review status: criteria provided, conflicting classifications (1 of 4 stars). 4 submissions from 4 submitters: Uncertain significance (1); Likely benign (3). Last evaluated 2026-07-06.

Conditions:
PKD1-related disorder. Also called: PKD1-related condition.
Polycystic kidney disease, adult type (PKD1). Also called: Polycystic Kidney Disease 1, Autosomal Dominant; Polycystic kidney disease 1; Polycystic kidney disease 1, severe; Polycystic Kidney, Autosomal Dominant; POLYCYSTIC KIDNEY DISEASE, ADULT, TYPE I; POLYCYSTIC KIDNEY DISEASE 1 WITH OR WITHOUT POLYCYSTIC LIVER DISEASE. Identifiers: MedGen C3149841, MONDO:0008263, OMIM 173900.
Inborn genetic diseases. Identifiers: MedGen C0950123, MeSH D030342.

Allele frequency attached by ClinVar (database versions not stated): ExAC 0.00002; gnomAD exomes 0.00003; gnomAD 0.00018; TOPMed 0.00029; 1000 Genomes Project 0.00040; 1000 Genomes Project 30x 0.00047.
gnomAD v4.1: 74 of 1,602,352 alleles (0.0046%); highest among the groups gnomAD compares: Admixed American, 0.051%; 1 homozygote.

Submissions (4):

PreventionGenetics, part of Exact Sciences
Classification: Likely benign for PKD1-related condition. Last evaluated: 2026-07-06. Review status: criteria provided, single submitter. Criteria: ACMG Guidelines, 2015. Collection method: clinical testing. Allele origin: germline.
Comment: This variant is classified as likely benign based on ACMG/AMP sequence variant interpretation guidelines (Richards et al. 2015 PMID: 25741868, with internal and published modifications).

Ambry Genetics
Classification: Likely benign for Inborn genetic diseases. Last evaluated: 2024-09-11. Review status: criteria provided, single submitter. Criteria: Ambry Variant Classification Scheme 2023. Collection method: clinical testing. Allele origin: germline.

Fulgent Genetics
Classification: Likely benign for Polycystic kidney disease, adult type. Last evaluated: 2024-04-09. Review status: criteria provided, single submitter. Criteria: ACMG Guidelines, 2015. Collection method: clinical testing. Allele origin: germline.

Department of Pathology and Laboratory Medicine, Sinai Health System
Classification: Uncertain significance for Polycystic kidney disease, adult type. Last evaluated: 2020-01-30. Review status: criteria provided, single submitter. Criteria: ACMG Guidelines, 2015. Collection method: clinical testing. Allele origin: germline. Affected: yes.

NM_001009944.3(PKD1):c.12818G>A (p.Arg4273His)

Gene: PKD1 (polycystin 1, transient receptor potential channel interacting; minus strand). Cytogenetic location: 16p13.3.
Variant type: single nucleotide variant.
Coding change: c.12818G>A on transcript NM_001009944.3 (MANE Select); coding-DNA position 12818, G replaced by A.
Protein change: p.Arg4273His; replaces arginine 4273 with histidine.
Molecular consequence: missense variant.
Genome position (GRCh38, 1-based): chr16:2,089,821, C>T on the plus strand (G>A on the coding strand, the complement: PKD1 is on the minus strand). VCF-style: chr16-2089821-C-T. GRCh37 (hg19) VCF-style: chr16-2139822-C-T.
Other names: c.12815G>A, p.Arg4272His (NM_000296.4); short protein forms R4273H, R4272H.
Identifiers: ClinVar variation 2377542 (VCV002377542.6), dbSNP rs200446880, ClinGen allele CA7828453.